The following is an entry in ClinVar:

ClinVar aggregate classification (germline): Benign. Review status: criteria provided, single submitter (1 of 4 stars). 2 submissions from 2 submitters: Benign (1). 1 of the submissions does not count toward it. Last evaluated 2026-07-01.

Conditions:
TBX2-related disorder. Also called: TBX2-related condition.

Allele frequency attached by ClinVar (database versions not stated): 1000 Genomes Project 30x 0.00219; 1000 Genomes Project 0.00220; ESP Exome Variant Server 0.00766; ExAC 0.01266.
gnomAD v4.1: 19,654 of 1,555,344 alleles (1.3%); highest among the groups gnomAD compares: Non-Finnish European, 1.6%; 187 homozygotes.

Submissions (2):

CeGaT Center for Human Genetics Tuebingen
Classification: Benign. Last evaluated: 2026-07-01. Review status: criteria provided, single submitter. Criteria: CeGaT Center For Human Genetics Tuebingen Variant Classification Criteria Version 2. Collection method: clinical testing. Allele origin: germline. Affected: yes. Observed: 12 variant alleles.
Comment: TBX2: PP3, BS1, BS2

PreventionGenetics, part of Exact Sciences
Classification: Likely benign for TBX2-related condition. Last evaluated: 2020-02-19. Review status: no assertion criteria provided. Collection method: clinical testing. Allele origin: germline. Not counted in ClinVar's aggregate classification.
Comment: This variant is classified as likely benign based on ACMG/AMP sequence variant interpretation guidelines (Richards et al. 2015 PMID: 25741868, with internal and published modifications).

NM_005994.4(TBX2):c.2030C>T (p.Pro677Leu)

Gene: TBX2 (T-box transcription factor 2; plus strand). Cytogenetic location: 17q23.2.
Variant type: single nucleotide variant.
Coding change: c.2030C>T on transcript NM_005994.4 (MANE Select); coding-DNA position 2030, C replaced by T.
Protein change: p.Pro677Leu; replaces proline 677 with leucine.
Molecular consequence: missense variant.
Genome position (GRCh38, 1-based): chr17:61,408,397, C>T. VCF-style: chr17-61408397-C-T. GRCh37 (hg19) VCF-style: chr17-59485758-C-T.
Other names: short protein forms P677L.
Identifiers: ClinVar variation 3055959 (VCV003055959.16), dbSNP rs61751978, ClinGen allele CA8689513.